The following is an entry in ClinVar:

NM_000051.4(ATM):c.2962A>G (p.Lys988Glu)

Gene: ATM (ATM serine/threonine kinase; plus strand). Cytogenetic location: 11q22.3.
Variant type: single nucleotide variant.
Coding change: c.2962A>G on transcript NM_000051.4 (MANE Select); coding-DNA position 2962, A replaced by G.
Protein change: p.Lys988Glu; replaces lysine 988 with glutamic acid.
Molecular consequence: missense variant.
Genome position (GRCh38, 1-based): chr11:108,271,291, A>G. VCF-style: chr11-108271291-A-G. GRCh37 (hg19) VCF-style: chr11-108142018-A-G.
Other names: c.2962A>G, p.Lys988Glu (NM_001351834.2); short protein forms K988E.
Identifiers: ClinVar variation 928471 (VCV000928471.10), dbSNP rs772327699, ClinGen allele CA6265165.

ClinVar aggregate classification (germline): Uncertain significance. Review status: criteria provided, multiple submitters, no conflicts (2 of 4 stars). 3 submissions from 3 submitters: Uncertain significance (3). Last evaluated 2025-01-02.

Conditions:
Hereditary cancer-predisposing syndrome. Also called: Tumor predisposition; Hereditary neoplastic syndrome; Neoplastic Syndromes, Hereditary; Hereditary Cancer Syndrome. Identifiers: Orphanet 140162, MedGen C0027672, MeSH D009386, MONDO:0015356.
Ataxia-telangiectasia syndrome (AT). Also called: Ataxia-telangiectasia, complementation group D; Cerebello-oculocutaneous telangiectasia; Immunodeficiency with ataxia telangiectasia; LOUIS-BAR SYNDROME; Ataxia-telangiectasia; AT, COMPLEMENTATION GROUP C. Identifiers: Orphanet 100, MedGen C0004135, MONDO:0008840, OMIM 208900.

Allele frequency attached by ClinVar (database versions not stated): gnomAD exomes below 0.00001; ExAC 0.00001.

Submissions (3):

Ambry Genetics
Classification: Uncertain significance for Hereditary cancer-predisposing syndrome. Last evaluated: 2025-01-02. Review status: criteria provided, single submitter. Criteria: Ambry Variant Classification Scheme 2023. Collection method: clinical testing. Allele origin: germline.
Comment: The p.K988E variant (also known as c.2962A>G), located in coding exon 19 of the ATM gene, results from an A to G substitution at nucleotide position 2962. The lysine at codon 988 is replaced by glutamic acid, an amino acid with similar properties. This amino acid position is not well conserved in available vertebrate species. In addition, this alteration is predicted to be tolerated by in silico analysis. Based on the available evidence, the clinical significance of this variant remains unclear.

Labcorp Genetics (formerly Invitae), Labcorp
Classification: Uncertain significance for Ataxia-telangiectasia syndrome. Last evaluated: 2023-07-26. Review status: criteria provided, single submitter. Criteria: Invitae Variant Classification Sherloc (09022015). Collection method: clinical testing. Allele origin: germline.
Comment: An algorithm developed to predict the effect of missense changes on protein structure and function (PolyPhen-2) suggests that this variant is likely to be tolerated. ClinVar contains an entry for this variant (Variation ID: 928471). This variant has not been reported in the literature in individuals affected with ATM-related conditions. This variant is present in population databases (rs772327699, gnomAD 0.006%). This sequence change replaces lysine, which is basic and polar, with glutamic acid, which is acidic and polar, at codon 988 of the ATM protein (p.Lys988Glu). In summary, the available evidence is currently insufficient to determine the role of this variant in disease. Therefore, it has been classified as a Variant of Uncertain Significance.

Women's Health and Genetics/Laboratory Corporation of America, LabCorp
Classification: Uncertain significance. Last evaluated: 2019-08-05. Review status: criteria provided, single submitter. Criteria: LabCorp Variant Classification Summary - May 2015. Collection method: clinical testing. Allele origin: germline.
Comment: Variant summary: ATM c.2962A>G (p.Lys988Glu) results in a conservative amino acid change in the encoded protein sequence. Five of five in-silico tools predict a benign effect of the variant on protein function. The variant allele was found at a frequency of 1e-05 in 298808 control chromosomes (gnomAD and Momozawa_2018). The available data on variant occurrences in the general population are insufficient to allow any conclusion about variant significance. To our knowledge, c.2962A>G has not been described in the literature in individuals affected with Breast Cancer, and no experimental evidence demonstrating an impact on protein function has been reported. No clinical diagnostic laboratories have submitted clinical-significance assessments for this variant to ClinVar after 2014. Based on the evidence outlined above, the variant was classified as uncertain significance.

Literature cited by the submitters: PubMed 30287823 (cited by Women's Health and Genetics/Laboratory Corporation of America, LabCorp).